The following is an entry in ClinVar:

NC_000007.13:g.(?_94024206)_(94060540_?)del

Gene: COL1A2 (collagen type I alpha 2 chain; plus strand). Cytogenetic location: 7q21.3.
Variant type: Deletion.
Identifiers: ClinVar variation 4887668 (VCV004887668.1).

ClinVar aggregate classification (germline): Pathogenic (1 of 4 stars; one submission).

Conditions:
Combined osteogenesis imperfecta and Ehlers-Danlos syndrome 2. Also called: OIEDS SYNDROME 2. Identifiers: MedGen C5436847, MONDO:0030855, OMIM 619120.

Submission:

Women's Health and Genetics/Laboratory Corporation of America, LabCorp
Classification: Pathogenic for Combined osteogenesis imperfecta and Ehlers-Danlos syndrome 2. Last evaluated: 2026-06-26. Review status: criteria provided, single submitter. Criteria: LabCorp Variant Classification Summary - May 2015. Collection method: clinical testing. Allele origin: germline.
Comment: Variant summary: The variant involves the deletion of exons 1-52 in the COL1A2 gene. A presumed nomenclature of c.(?_-138)_(*835_?)del has been designated for the purposes of this classification. This deletion includes the entire coding sequence of the gene. As the exact proximal and distal breakpoints are unknown, it may extend beyond the annotated region of the gene to include other flanking genes. Loss-of-function variants in this gene are known to be pathogenic. The variant was absent in 21694 control chromosomes. c.(?_-138)_(*835_?)del has been observed in an individual affected with osteogenesis imperfecta (Lin_2024). To our knowledge, no experimental evidence demonstrating an impact on protein function has been reported. The following publication has been ascertained in the context of this evaluation (PMID: 37270749). No submitters have cited clinical-significance assessments for this variant to ClinVar. Based on the evidence outlined above, the variant was classified as pathogenic.

Literature cited by the submitters: PubMed 37270749.